The following is an entry in ClinVar:

ClinVar aggregate classification (germline): Pathogenic (1 of 4 stars; one submission).

Conditions:
Beckwith-Wiedemann syndrome (BWS). Also called: Exomphalos macroglossia gigantism syndrome; EMG SYNDROME. Identifiers: Orphanet 116, MedGen C0004903, MONDO:0007534, OMIM 130650.

Submission:

Labcorp Genetics (formerly Invitae), Labcorp
Classification: Pathogenic for Beckwith-Wiedemann syndrome. Last evaluated: 2020-12-20. Review status: criteria provided, single submitter. Criteria: Invitae Variant Classification Sherloc (09022015). Collection method: clinical testing. Allele origin: germline.
Comment: This variant has not been reported in the literature in individuals with CDKN1C-related conditions. ClinVar contains an entry for this variant (Variation ID: 967657). The frequency data for this variant in the population databases is considered unreliable, as metrics indicate insufficient coverage at this position in the ExAC database. This sequence change creates a premature translational stop signal (p.Pro106Glyfs*13) in the CDKN1C gene. It is expected to result in an absent or disrupted protein product. Loss-of-function variants in CDKN1C are known to be pathogenic (PMID: 20503313). For these reasons, this variant has been classified as Pathogenic.

Literature cited by the submitters: PubMed 20503313.

NM_001122630.2(CDKN1C):c.283_300delinsG (p.Pro95fs)

Gene: CDKN1C (cyclin dependent kinase inhibitor 1C; minus strand). Cytogenetic location: 11p15.4.
Variant type: Indel.
Coding change: c.283_300delinsG on transcript NM_001122630.2 (MANE Select); coding-DNA positions 283 to 300, CCGCGGCCCGTCGCGGTC replaced by G.
Protein change: p.Pro95fs; shifts the reading frame from proline 95.
Molecular consequence: frameshift variant. On other transcripts: intron variant (1).
Genome position (GRCh38, 1-based): chr11:2,885,157-2,885,174, GACCGCGACGGGCCGCGG replaced by C on the plus strand (CCGCGGCCCGTCGCGGTC replaced by G on the coding strand, the reverse complement: CDKN1C is on the minus strand). VCF-style: chr11-2885157-GACCGCGACGGGCCGCGG-C. GRCh37 (hg19) VCF-style: chr11-2906387-GACCGCGACGGGCCGCGG-C.
Other names: c.316_333delinsG, p.Pro106fs (NM_000076.2, NM_001362474.2); c.283_300delinsG, p.Pro95fs (NM_001122631.2); c.255+28_255+45delinsG (NM_001362475.2); short protein forms P95fs, P106fs.
Identifiers: ClinVar variation 967657 (VCV000967657.5), dbSNP rs1848965153, ClinGen allele CA1139661762.